The following is an entry in ClinVar:

NM_001875.5(CPS1):c.1836+2T>C

Gene: CPS1 (carbamoyl-phosphate synthase 1; plus strand). Cytogenetic location: 2q34.
Variant type: single nucleotide variant.
Coding change: c.1836+2T>C on transcript NM_001875.5 (MANE Select); the canonical splice donor site of the intron after coding-DNA position 1836, T replaced by C.
Molecular consequence: splice donor variant.
Genome position (GRCh38, 1-based): chr2:210,602,332, T>C. VCF-style: chr2-210602332-T-C. GRCh37 (hg19) VCF-style: chr2-211467056-T-C.
Other names: c.1836+2T>C (NM_001369257.1, NM_001122633.3); c.1869+2T>C (NM_001369256.1).
Identifiers: ClinVar variation 639779 (VCV000639779.7), dbSNP rs1574577755, ClinGen allele CA350437612.
Genomic context (GRCh38, chr2:210,602,332, plus strand): 5'-GTGGGTTAGGCTCAGGCATCTGTCCCAACAGAGAGACTTTGATGGACCTCAGCACAAAGG[T>C]ATGTATTTTTGTAGACAATATTCTTACCAACCAAAAAAACTGGCTTGATAGACCTTTTCA-3'

ClinVar aggregate classification (germline): Likely pathogenic (1 of 4 stars; one submission).

Conditions:
Congenital hyperammonemia, type I. Also called: CPS I DEFICIENCY; Carbamoyl-phosphate synthase I deficiency; Carbamoyl phosphate synthetase 1 deficiency; Hyperammonemia due to carbamoyl phosphate synthetase 1 deficiency; CPS 1 deficiency; Carbamyl phosphate synthetase (CPS) deficiency. Identifiers: Orphanet 147, MedGen C4082171, MONDO:0009376, OMIM 237300.

Submission:

Labcorp Genetics (formerly Invitae), Labcorp
Classification: Likely pathogenic for Congenital hyperammonemia, type I. Last evaluated: 2018-08-17. Review status: criteria provided, single submitter. Criteria: Invitae Variant Classification Sherloc (09022015). Collection method: clinical testing. Allele origin: germline.
Comment: This sequence change affects a donor splice site in intron 16 of the CPS1 gene. It is expected to disrupt RNA splicing and likely results in an absent or disrupted protein product. This variant is not present in population databases (ExAC no frequency). This variant has not been reported in the literature in individuals with CPS1-related disease. Algorithms developed to predict the effect of sequence changes on RNA splicing suggest that this variant may disrupt the consensus splice site, but this prediction has not been confirmed by published transcriptional studies. Donor and acceptor splice site variants typically lead to a loss of protein function (PMID: 16199547), and loss-of-function variants in CPS1 are known to be pathogenic (PMID: 21120950). In summary, the currently available evidence indicates that the variant is pathogenic, but additional data are needed to prove that conclusively. Therefore, this variant has been classified as Likely Pathogenic.

Literature cited by the submitters: PubMed 16199547; PubMed 21120950.